The following is an entry in ClinVar:

ClinVar aggregate classification (germline): Likely benign (1 of 4 stars; one submission).

Submission:

CeGaT Center for Human Genetics Tuebingen
Classification: Likely benign. Last evaluated: 2025-03-01. Review status: criteria provided, single submitter. Criteria: CeGaT Center For Human Genetics Tuebingen Variant Classification Criteria Version 2. Collection method: clinical testing. Allele origin: germline. Affected: yes. Observed: 1 variant allele.
Comment: FOXD4L5: BP4

NM_001126334.1(FOXD4L5):c.84T>C (p.Asp28=)

Gene: FOXD4L5 (forkhead box D4 like 5; minus strand). Cytogenetic location: 9q21.11.
Variant type: single nucleotide variant.
Coding change: c.84T>C on transcript NM_001126334.1 (MANE Select); coding-DNA position 84, T replaced by C.
Protein change: p.Asp28=; no amino-acid change (aspartic acid 28 retained).
Molecular consequence: synonymous variant.
Genome position (GRCh38, 1-based): chr9:65,284,294, A>G on the plus strand (T>C on the coding strand, the complement: FOXD4L5 is on the minus strand). VCF-style: chr9-65284294-A-G. GRCh37 (hg19) VCF-style: chr9-70177900-A-G.
Identifiers: ClinVar variation 3777879 (VCV003777879.7).